The following is an entry in ClinVar:

NM_000455.5(STK11):c.598-21_598dup

Gene: STK11 (serine/threonine kinase 11; plus strand). Cytogenetic location: 19p13.3.
Variant type: Duplication.
Coding change: c.598-21_598dup on transcript NM_000455.5 (MANE Select); 21 bases into the intron before coding-DNA position 598 through coding-DNA position 598, 22 bases duplicated (GGCTGCACGGCACCGCCACAGG).
Molecular consequence: splice acceptor variant.
Genome position (GRCh38, 1-based): chr19:1,220,560-1,220,581, GGCTGCACGGCACCGCCACAGG duplicated; duplicating any 22 consecutive bases within chr19:1,220,559-1,220,581 gives the same sequence; the c. name uses the placement nearest the transcript's 3' end. VCF-style (leftmost placement, unchanged base first): chr19-1220558-A-AGGGCTGCACGGCACCGCCACAG. GRCh37 (hg19) VCF-style: chr19-1220557-A-AGGGCTGCACGGCACCGCCACAG.
Other names: c.598-21_598dup (NM_001407255.1).
Identifiers: ClinVar variation 2586601 (VCV002586601.3), dbSNP rs2512943207, ClinGen allele CA2582342344.

ClinVar aggregate classification (germline): Uncertain significance (1 of 4 stars; one submission).

Conditions:
Hereditary cancer-predisposing syndrome. Also called: Neoplastic Syndromes, Hereditary; Tumor predisposition; Hereditary Cancer Syndrome; Hereditary neoplastic syndrome. Identifiers: Orphanet 140162, MedGen C0027672, MeSH D009386, MONDO:0015356.

Submission:

Ambry Genetics
Classification: Uncertain significance for Hereditary cancer-predisposing syndrome. Last evaluated: 2026-02-09. Review status: criteria provided, single submitter. Criteria: Ambry Variant Classification Scheme 2023. Collection method: clinical testing. Allele origin: germline.
Comment: The c.598-21_598dup22 variant results from a duplication of 22 nucleotides between positions c.598-21 and c.598 and involves the canonical splice acceptor site before coding exon 5 of the STK11 gene. Using the BDGP and ESEfinder splice site prediction tools, the strength of the native acceptor splice site is predicted to be maintained and the acceptor site sequence would also be duplicated 22 nucleotides upstream. RNA studies have demonstrated that this alteration results in a splice defect; the clinical impact of this abnormal splicing is unknown at this time (Ambry internal data). Based on the available evidence, the clinical significance of this variant remains unclear.